The following is an entry in ClinVar:

NM_001510.4(GRID2):c.53G>A (p.Trp18Ter)

Genes: GRID2 (glutamate ionotropic receptor delta type subunit 2; plus strand), GRID2-AS1 (GRID2 antisense RNA 1; minus strand). Cytogenetic location: 4q22.1.
Variant type: single nucleotide variant.
Coding change: c.53G>A on transcript NM_001510.4 (MANE Select); coding-DNA position 53, G replaced by A.
Protein change: p.Trp18Ter; replaces tryptophan 18 with a stop codon.
Molecular consequence: nonsense.
Genome position (GRCh38, 1-based): chr4:92,304,709, G>A. VCF-style: chr4-92304709-G-A. GRCh37 (hg19) VCF-style: chr4-93225860-G-A.
Other names: c.53G>A, p.Trp18Ter (NM_001286838.1); short protein forms W18*.
Identifiers: ClinVar variation 620343 (VCV000620343.1), dbSNP rs1560556892, ClinGen allele CA357721659.

ClinVar aggregate classification (germline): Likely pathogenic (1 of 4 stars; one submission).

Submission:

GeneDx
Classification: Likely pathogenic. Last evaluated: 2018-09-07. Review status: criteria provided, single submitter. Criteria: GeneDx Variant Classification (06012015). Collection method: clinical testing. Allele origin: germline. Affected: yes.
Comment: The W18X variant in the GRID2 gene has not been reported previously as a pathogenic variant nor as a benign variant, to our knowledge. This variant is predicted to cause loss of normal protein function either through protein truncation or nonsense-mediated mRNA decay. The W18X variant is not observed in large population cohorts (Lek et al., 2016). We interpret W18X as a likely pathogenic variant.